The following is an entry in ClinVar:

NM_000384.3(APOB):c.10088T>A (p.Val3363Asp)

Gene: APOB (apolipoprotein B; minus strand). Cytogenetic location: 2p24.1.
Variant type: single nucleotide variant.
Coding change: c.10088T>A on transcript NM_000384.3 (MANE Select); coding-DNA position 10088, T replaced by A.
Protein change: p.Val3363Asp; replaces valine 3363 with aspartic acid.
Molecular consequence: missense variant.
Genome position (GRCh38, 1-based): chr2:21,006,780, A>T on the plus strand (T>A on the coding strand, the complement: APOB is on the minus strand). VCF-style: chr2-21006780-A-T. GRCh37 (hg19) VCF-style: chr2-21229652-A-T.
Other names: short protein forms V3363D.
Identifiers: ClinVar variation 2051083 (VCV002051083.4), dbSNP rs2465360871, ClinGen allele CA345987518.

ClinVar aggregate classification (germline): Uncertain significance (1 of 4 stars; one submission).

Conditions:
Familial hypobetalipoproteinemia 1. Also called: Hypobetalipoproteinemia, normotriglyceridemic; Acanthocytosis with hypobetalipoproteinemia; APOB-Related Familial Hypobetalipoproteinemia. Identifiers: MedGen C4551990, MONDO:0014252, OMIM 615558.
Hypercholesterolemia, autosomal dominant, type B (FHCL2). Also called: Familial hypercholesterolemia 2; Familial Hypercholesterolemia Type B; APOLIPOPROTEIN B-100, FAMILIAL DEFECTIVE; APOLIPOPROTEIN B-100, FAMILIAL LIGAND-DEFECTIVE; HYPERCHOLESTEROLEMIA, FAMILIAL, DUE TO LIGAND-DEFECTIVE APOLIPOPROTEIN B; Hyperlipoproteinemia Type IIb. Identifiers: MedGen C1704417, MONDO:0007751, OMIM 144010.

Submission:

Labcorp Genetics (formerly Invitae), Labcorp
Classification: Uncertain significance for Familial hypobetalipoproteinemia 1; Hypercholesterolemia, autosomal dominant, type B. Last evaluated: 2021-12-21. Review status: criteria provided, single submitter. Criteria: Invitae Variant Classification Sherloc (09022015). Collection method: clinical testing. Allele origin: germline.
Comment: In summary, the available evidence is currently insufficient to determine the role of this variant in disease. Therefore, it has been classified as a Variant of Uncertain Significance. Algorithms developed to predict the effect of missense changes on protein structure and function are either unavailable or do not agree on the potential impact of this missense change (SIFT: "Deleterious"; PolyPhen-2: "Probably Damaging"; Align-GVGD: "Class C0"). This variant has not been reported in the literature in individuals affected with APOB-related conditions. This variant is not present in population databases (gnomAD no frequency). This sequence change replaces valine, which is neutral and non-polar, with aspartic acid, which is acidic and polar, at codon 3363 of the APOB protein (p.Val3363Asp).